The following is an entry in ClinVar:

NM_018979.4(WNK1):c.6273G>C (p.Gln2091His)

Gene: WNK1 (WNK lysine deficient protein kinase 1; plus strand). Cytogenetic location: 12p13.33.
Variant type: single nucleotide variant.
Coding change: c.6273G>C on transcript NM_018979.4 (MANE Select); coding-DNA position 6273, G replaced by C.
Protein change: p.Gln2091His; replaces glutamine 2091 with histidine.
Molecular consequence: missense variant.
Genome position (GRCh38, 1-based): chr12:897,506, G>C. VCF-style: chr12-897506-G-C. GRCh37 (hg19) VCF-style: chr12-1006672-G-C.
Other names: c.7053G>C, p.Gln2351His (NM_001184985.2); c.5529G>C, p.Gln1843His (NM_014823.3); c.7029G>C, p.Gln2343His (NM_213655.5); short protein forms Q1843H, Q2091H, Q2343H, Q2351H.
Identifiers: ClinVar variation 3753843 (VCV003753843.2).
Genomic context (GRCh38, chr12:897,506, plus strand): 5'-GTATTTTGAATTATGTTTGGTTATCTTTCACAGACATCTCAAAGAGATTCAGGACCTGCA[G>C]AGTCGCCAGAAGCATGAAATTGAATCTTTGTATACCAAACTGGGCAAGGTGCCCCCTGCT-3'
Protein context (NP_061852.3, residues 2081-2101): DKHLKEIQDL[Gln2091His]SRQKHEIESL

ClinVar aggregate classification (germline): Uncertain significance (1 of 4 stars; one submission).

Conditions:
Neuropathy, hereditary sensory and autonomic, type 2A (HSAN2A). Also called: ACROOSTEOLYSIS, GIACCAI TYPE; ACROOSTEOLYSIS, NEUROGENIC; MORVAN DISEASE; NEUROPATHY, CONGENITAL SENSORY; NEUROPATHY, HEREDITARY SENSORY RADICULAR, AUTOSOMAL RECESSIVE; NEUROPATHY, HEREDITARY SENSORY, TYPE IIA. Identifiers: Orphanet 970, MedGen C2752089, MONDO:0024309, OMIM 201300.
Pseudohypoaldosteronism type 2C (PHA2C). Also called: Pseudohypoaldosteronism Type IIC. Identifiers: Orphanet 757, Orphanet 88940, MedGen C1840391, MONDO:0013778, OMIM 614492.

Submission:

Labcorp Genetics (formerly Invitae), Labcorp
Classification: Uncertain significance for Neuropathy, hereditary sensory and autonomic, type 2A; Pseudohypoaldosteronism type 2C. Last evaluated: 2024-03-07. Review status: criteria provided, single submitter. Criteria: Invitae Variant Classification Sherloc (09022015). Collection method: clinical testing. Allele origin: germline.
Comment: This sequence change replaces glutamine, which is neutral and polar, with histidine, which is basic and polar, at codon 2343 of the WNK1 protein (p.Gln2343His). This variant is not present in population databases (gnomAD no frequency). This variant has not been reported in the literature in individuals affected with WNK1-related conditions. Advanced modeling of protein sequence and biophysical properties (such as structural, functional, and spatial information, amino acid conservation, physicochemical variation, residue mobility, and thermodynamic stability) performed at Invitae indicates that this missense variant is not expected to disrupt WNK1 protein function with a negative predictive value of 95%. In summary, the available evidence is currently insufficient to determine the role of this variant in disease. Therefore, it has been classified as a Variant of Uncertain Significance.